The following is an entry in ClinVar:

ClinVar aggregate classification (germline): Uncertain significance (1 of 4 stars; one submission).

Submission:

Ambry Genetics
Classification: Uncertain significance. Last evaluated: 2025-04-09. Review status: criteria provided, single submitter. Criteria: Ambry Variant Classification Scheme 2023. Collection method: clinical testing. Allele origin: germline.
Comment: The p.L325S variant (also known as c.974T>C), located in coding exon 9 of the FAM175A gene, results from a T to C substitution at nucleotide position 974. The leucine at codon 325 is replaced by serine, an amino acid with dissimilar properties. This amino acid position is conserved. In addition, this alteration is predicted to be deleterious by in silico analysis. Since supporting evidence is limited at this time, the clinical significance of this alteration remains unclear.

NM_139076.3(ABRAXAS1):c.974T>C (p.Leu325Ser)

Gene: ABRAXAS1 (abraxas 1, BRCA1 A complex subunit; minus strand). Cytogenetic location: 4q21.23.
Variant type: single nucleotide variant.
Coding change: c.974T>C on transcript NM_139076.3 (MANE Select); coding-DNA position 974, T replaced by C.
Protein change: p.Leu325Ser; replaces leucine 325 with serine.
Molecular consequence: missense variant.
Genome position (GRCh38, 1-based): chr4:83,462,725, A>G on the plus strand (T>C on the coding strand, the complement: ABRAXAS1 is on the minus strand). VCF-style: chr4-83462725-A-G. GRCh37 (hg19) VCF-style: chr4-84383878-A-G.
Other names: c.647T>C, p.Leu216Ser (NM_001345962.2); short protein forms L216S, L325S.
Identifiers: ClinVar variation 2449153 (VCV002449153.3), dbSNP rs2529418667, ClinGen allele CA357255689.